The following is an entry in ClinVar:

NM_000059.4(BRCA2):c.2444T>A (p.Met815Lys)

Gene: BRCA2 (BRCA2 DNA repair associated; plus strand). Cytogenetic location: 13q13.1.
Variant type: single nucleotide variant.
Coding change: c.2444T>A on transcript NM_000059.4 (MANE Select); coding-DNA position 2444, T replaced by A.
Protein change: p.Met815Lys; replaces methionine 815 with lysine.
Molecular consequence: missense variant.
Genome position (GRCh38, 1-based): chr13:32,336,799, T>A. VCF-style: chr13-32336799-T-A. GRCh37 (hg19) VCF-style: chr13-32910936-T-A.
Other names: short protein forms M815K.
Identifiers: ClinVar variation 956932 (VCV000956932.11), dbSNP rs1303254121, ClinGen allele CA387772237.

ClinVar aggregate classification (germline): Conflicting classifications of pathogenicity. Review status: criteria provided, conflicting classifications (1 of 4 stars). 2 submissions from 2 submitters: Uncertain significance (1); Likely benign (1). Last evaluated 2023-03-23.

Conditions:
Hereditary cancer-predisposing syndrome. Also called: Hereditary neoplastic syndrome; Tumor predisposition; Neoplastic Syndromes, Hereditary; Hereditary Cancer Syndrome. Identifiers: Orphanet 140162, MedGen C0027672, MeSH D009386, MONDO:0015356.
Hereditary breast ovarian cancer syndrome. Also called: Hereditary breast and ovarian cancer; Hereditary breast and/or ovarian cancer syndrome; Hereditary breast and ovarian cancer syndrome; Hereditary breast and ovarian cancer syndrome (HBOC); Breast and ovarian cancer; BRCA1- and BRCA2-Associated Hereditary Breast and Ovarian Cancer. Identifiers: Orphanet 145, MedGen C0677776, MeSH D061325, MONDO:0003582. Disease mechanism: loss of function.

Submissions (2):

University of Washington Department of Laboratory Medicine, University of Washington
Classification: Likely benign for Hereditary cancer-predisposing syndrome. Last evaluated: 2023-03-23. Review status: criteria provided, single submitter. Criteria: Dines et al. (Genet Med. 2020). Collection method: curation. Allele origin: germline.
Comment: Missense variant in a coldspot region where missense variants are very unlikely to be pathogenic (PMID:31911673).

BRCA2 exon 11 coldspot. Reclassification based on statistical prior probability.

Labcorp Genetics (formerly Invitae), Labcorp
Classification: Uncertain significance for Hereditary breast ovarian cancer syndrome. Last evaluated: 2019-10-31. Review status: criteria provided, single submitter. Criteria: Invitae Variant Classification Sherloc (09022015). Collection method: clinical testing. Allele origin: germline.
Comment: This sequence change replaces methionine with lysine at codon 815 of the BRCA2 protein (p.Met815Lys). The methionine residue is weakly conserved and there is a moderate physicochemical difference between methionine and lysine. Algorithms developed to predict the effect of missense changes on protein structure and function (SIFT, PolyPhen-2, Align-GVGD) all suggest that this variant is likely to be tolerated, but these predictions have not been confirmed by published functional studies and their clinical significance is uncertain. In summary, the available evidence is currently insufficient to determine the role of this variant in disease. Therefore, it has been classified as a Variant of Uncertain Significance. Algorithms developed to predict the effect of sequence changes on RNA splicing suggest that this variant may create or strengthen a splice site, but this prediction has not been confirmed by published transcriptional studies. This variant has not been reported in the literature in individuals with BRCA2-related conditions. This variant is not present in population databases (ExAC no frequency).